The following is an entry in ClinVar:

NM_002296.4(LBR):c.165+4A>G

Gene: LBR (lamin B receptor; minus strand). Cytogenetic location: 1q42.12.
Variant type: single nucleotide variant.
Coding change: c.165+4A>G on transcript NM_002296.4 (MANE Select); 4 bases into the intron after coding-DNA position 165, A replaced by G.
Molecular consequence: intron variant.
Genome position (GRCh38, 1-based): chr1:225,423,907, T>C on the plus strand (A>G on the coding strand, the complement: LBR is on the minus strand). VCF-style: chr1-225423907-T-C. GRCh37 (hg19) VCF-style: chr1-225611609-T-C.
Other names: c.165+4A>G (NM_194442.3).
Identifiers: ClinVar variation 2009935 (VCV002009935.4), dbSNP rs2527841496, ClinGen allele CA2580062236.

ClinVar aggregate classification (germline): Uncertain significance (1 of 4 stars; one submission).

Submission:

Labcorp Genetics (formerly Invitae), Labcorp
Classification: Uncertain significance. Last evaluated: 2022-10-17. Review status: criteria provided, single submitter. Criteria: Invitae Variant Classification Sherloc (09022015). Collection method: clinical testing. Allele origin: germline.
Comment: In summary, the available evidence is currently insufficient to determine the role of this variant in disease. Therefore, it has been classified as a Variant of Uncertain Significance. Variants that disrupt the consensus splice site are a relatively common cause of aberrant splicing (PMID: 17576681, 9536098). Algorithms developed to predict the effect of sequence changes on RNA splicing suggest that this variant is not likely to affect RNA splicing. This variant has not been reported in the literature in individuals affected with LBR-related conditions. This variant is not present in population databases (gnomAD no frequency). This sequence change falls in intron 2 of the LBR gene. It does not directly change the encoded amino acid sequence of the LBR protein. It affects a nucleotide within the consensus splice site.

Literature cited by the submitters: PubMed 17576681; PubMed 9536098.